The following is an entry in ClinVar:

NM_000601.6(HGF):c.6G>T (p.Trp2Cys)

Gene: HGF (hepatocyte growth factor; minus strand). Cytogenetic location: 7q21.11.
Variant type: single nucleotide variant.
Coding change: c.6G>T on transcript NM_000601.6 (MANE Select); coding-DNA position 6, G replaced by T.
Protein change: p.Trp2Cys; replaces tryptophan 2 with cysteine.
Molecular consequence: missense variant.
Genome position (GRCh38, 1-based): chr7:81,769,966, C>A on the plus strand (G>T on the coding strand, the complement: HGF is on the minus strand). VCF-style: chr7-81769966-C-A. GRCh37 (hg19) VCF-style: chr7-81399282-C-A.
Other names: c.6G>T, p.Trp2Cys (NM_001010931.3, NM_001010932.3, NM_001010933.3 and 1 more transcripts); c.6G>T (NM_000601.5); short protein forms W2C.
Identifiers: ClinVar variation 1304450 (VCV001304450.6), dbSNP rs745851853, ClinGen allele CA4317308.

ClinVar aggregate classification (germline): Uncertain significance. Review status: criteria provided, multiple submitters, no conflicts (2 of 4 stars). 4 submissions from 4 submitters: Uncertain significance (3). 1 of the submissions does not count toward it. Last evaluated 2024-08-17.

Conditions:
Autosomal recessive nonsyndromic hearing loss 39. Identifiers: Orphanet 90636, MedGen C1842342, MONDO:0012003, OMIM 608265.
HGF-related disorder. Also called: HGF-related condition.

Allele frequency attached by ClinVar (database versions not stated): gnomAD 0.00001 and 0.00003; TOPMed 0.00002; gnomAD exomes 0.00015 and 0.00024; ExAC 0.00057.
gnomAD v4.1: 216 of 1,555,030 alleles (0.014%); highest among the groups gnomAD compares: South Asian, 0.16%; no homozygotes.

Submissions (4):

Blueprint Genetics
Classification: Uncertain significance. Last evaluated: 2024-08-17. Review status: criteria provided, single submitter. Criteria: ACMG Guidelines, 2015. Collection method: clinical testing. Allele origin: germline.

Baylor Genetics
Classification: Uncertain significance for Autosomal recessive nonsyndromic hearing loss 39. Last evaluated: 2021-05-19. Review status: criteria provided, single submitter. Criteria: ACMG Guidelines, 2015. Collection method: clinical testing. Allele origin: unknown.

GeneDx
Classification: Uncertain significance. Last evaluated: 2021-01-28. Review status: criteria provided, single submitter. Criteria: GeneDx Variant Classification Process June 2021. Collection method: clinical testing. Allele origin: germline. Affected: yes.
Comment: Identified in an individual from a control group in a large screening study for keratoconus candidate genes (Lucas et al., 2018); In silico analysis supports that this missense variant has a deleterious effect on protein structure/function; This variant is associated with the following publications: (PMID: 29924831)

PreventionGenetics, part of Exact Sciences
Classification: Likely benign for HGF-related condition. Last evaluated: 2023-04-11. Review status: no assertion criteria provided. Collection method: clinical testing. Allele origin: germline. Not counted in ClinVar's aggregate classification.
Comment: This variant is classified as likely benign based on ACMG/AMP sequence variant interpretation guidelines (Richards et al. 2015 PMID: 25741868, with internal and published modifications).